The following is an entry in ClinVar:

ClinVar aggregate classification (germline): Likely benign (1 of 4 stars; one submission).

Allele frequency attached by ClinVar (database versions not stated): gnomAD 0.00004; gnomAD exomes 0.00004 and 0.00009; TOPMed 0.00004; ExAC 0.00009.
gnomAD v4.1: 75 of 1,593,494 alleles (0.0047%); highest among the groups gnomAD compares: Non-Finnish European, 0.0014%; no homozygotes.

Submission:

CeGaT Center for Human Genetics Tuebingen
Classification: Likely benign. Last evaluated: 2026-03-01. Review status: criteria provided, single submitter. Criteria: CeGaT Center For Human Genetics Tuebingen Variant Classification Criteria Version 2. Collection method: clinical testing. Allele origin: germline. Affected: yes. Observed: 2 variant alleles.
Comment: CTCF: BS2

NM_006565.4(CTCF):c.131A>G (p.Gln44Arg)

Gene: CTCF (CCCTC-binding factor; plus strand). Cytogenetic location: 16q22.1.
Variant type: single nucleotide variant.
Coding change: c.131A>G on transcript NM_006565.4 (MANE Select); coding-DNA position 131, A replaced by G.
Protein change: p.Gln44Arg; replaces glutamine 44 with arginine.
Molecular consequence: missense variant. On other transcripts: intron variant (1).
Genome position (GRCh38, 1-based): chr16:67,610,963, A>G. VCF-style: chr16-67610963-A-G. GRCh37 (hg19) VCF-style: chr16-67644866-A-G.
Other names: c.131A>G, p.Gln44Arg (NM_001363916.2); c.-32-5782A>G (NM_001191022.2); short protein forms Q44R.
Identifiers: ClinVar variation 1701292 (VCV001701292.31), dbSNP rs766320761, ClinGen allele CA8112469.